The following is an entry in ClinVar:

GRCh38/hg38 6q11.1(chr6:61468685-62190598)x3

Genes: KHDRBS2 (KH RNA binding domain containing, signal transduction associated 2; minus strand), MTRNR2L9 (MT-RNR2 like 9; plus strand), LOC121740654 (Sharpr-MPRA regulatory region 7997; plus strand), LOC123744833 (Sharpr-MPRA regulatory region 774; plus strand). Cytogenetic location: 6q11.1.
Variant type: copy number gain.
Change: copy number 3 (three copies instead of two) of chr6:61,468,685-62,190,598 (721.9 kb, GRCh38 coordinates, 1-based), cytogenetic band 6q11.1.
Identifiers: ClinVar variation 155145 (VCV000155145.3).

ClinVar aggregate classification (germline): conflicting data from submitters (0 of 4 stars; one submission).

Submission:

ISCA site 1
Classification: conflicting data from submitters. Last evaluated: 2013-01-28. Review status: no assertion criteria provided. Collection method: clinical testing. Allele origin: paternal, unknown. Affected: yes. Observed: 4 variant alleles. Clinical features observed: Delayed speech and language development (HP:0000750), Oligohydramnios (HP:0001562), Abnormal facial shape (HP:0001999), Autistic behavior (HP:0000729), Global developmental delay (HP:0001263).
Comment: Uncertain significance(3), Likely benign (1)

Copy number variation identified through the course of routine clinical cytogenomic testing in postnatal populations, with clinical assertions as classified by the original submitter. For data from the original published study, Kaminsky, et al. 2011 (PubMed 21844811), please see nstd101.